The following is an entry in ClinVar:

NM_006946.4(SPTBN2):c.5339A>G (p.Asn1780Ser)

Gene: SPTBN2 (spectrin beta, non-erythrocytic 2; minus strand). Cytogenetic location: 11q13.2.
Variant type: single nucleotide variant.
Coding change: c.5339A>G on transcript NM_006946.4 (MANE Select); coding-DNA position 5339, A replaced by G.
Protein change: p.Asn1780Ser; replaces asparagine 1780 with serine.
Molecular consequence: missense variant.
Genome position (GRCh38, 1-based): chr11:66,691,510, T>C on the plus strand (A>G on the coding strand, the complement: SPTBN2 is on the minus strand). VCF-style: chr11-66691510-T-C. GRCh37 (hg19) VCF-style: chr11-66458981-T-C.
Other names: short protein forms N1780S.
Identifiers: ClinVar variation 805364 (VCV000805364.8), dbSNP rs375849761, ClinGen allele CA6128296.

ClinVar aggregate classification (germline): Benign/Likely benign. Review status: criteria provided, multiple submitters, no conflicts (2 of 4 stars). 4 submissions from 4 submitters: Benign (2); Likely benign (1). 1 of the submissions does not count toward it. Last evaluated 2025-12-29.

Conditions:
SPTBN2-related disorder. Also called: SPTBN2-related condition.

Allele frequency attached by ClinVar (database versions not stated): TOPMed 0.00011; 1000 Genomes Project 30x 0.00016; gnomAD 0.00011; ExAC 0.00012; gnomAD exomes 0.00010 and 0.00017; ESP Exome Variant Server 0.00008; 1000 Genomes Project 0.00020.

Submissions (4):

Labcorp Genetics (formerly Invitae), Labcorp
Classification: Likely benign. Last evaluated: 2025-12-29. Review status: criteria provided, single submitter. Criteria: Invitae Variant Classification Sherloc (09022015). Collection method: clinical testing. Allele origin: germline.

Athena Diagnostics
Classification: Benign. Last evaluated: 2023-11-15. Review status: criteria provided, single submitter. Criteria: Athena Diagnostics Criteria. Collection method: clinical testing. Allele origin: unknown.

Breakthrough Genomics
Classification: Benign. Review status: criteria provided, single submitter. Criteria: ACMG Guidelines, 2015. Collection method: not provided. Allele origin: germline. Inheritance: Autosomal recessive inheritance. Affected: yes.

PreventionGenetics, part of Exact Sciences
Classification: Likely benign for SPTBN2-related condition. Last evaluated: 2023-04-19. Review status: no assertion criteria provided. Collection method: clinical testing. Allele origin: germline. Not counted in ClinVar's aggregate classification.
Comment: This variant is classified as likely benign based on ACMG/AMP sequence variant interpretation guidelines (Richards et al. 2015 PMID: 25741868, with internal and published modifications).